The following is an entry in ClinVar:

NM_000548.5(TSC2):c.3871G>C (p.Val1291Leu)

Gene: TSC2 (TSC complex subunit 2; plus strand). Cytogenetic location: 16p13.3.
Variant type: single nucleotide variant.
Coding change: c.3871G>C on transcript NM_000548.5 (MANE Select); coding-DNA position 3871, G replaced by C.
Protein change: p.Val1291Leu; replaces valine 1291 with leucine.
Molecular consequence: missense variant. On other transcripts: intron variant (33), non-coding transcript variant (1).
Genome position (GRCh38, 1-based): chr16:2,082,492, G>C. VCF-style: chr16-2082492-G-C. GRCh37 (hg19) VCF-style: chr16-2132493-G-C.
Other names: c.3775+694G>C (NM_001406667.1); c.3772+694G>C (NM_001406668.1); c.3214+694G>C (NM_001406683.1, NM_001406682.1); c.3082+694G>C (NM_001406687.1, NM_001406688.1); c.2470+694G>C (NM_001406689.1); c.2341+694G>C (NM_001406692.1, NM_001406694.1, NM_001406693.1); c.2338+694G>C (NM_001406697.1, NM_001406695.1, NM_001406696.1); c.2080+694G>C (NM_001406698.1); and 25 more; short protein forms V1047L, V1091L, V1247L, V1248L, V1290L, V1291L, V799L, V800L.
Identifiers: ClinVar variation 4866087 (VCV004866087.1).

ClinVar aggregate classification (germline): Uncertain significance (1 of 4 stars; one submission).

Conditions:
Hereditary cancer-predisposing syndrome. Also called: Neoplastic Syndromes, Hereditary; Tumor predisposition; Hereditary Cancer Syndrome; Hereditary neoplastic syndrome. Identifiers: Orphanet 140162, MedGen C0027672, MeSH D009386, MONDO:0015356.

Submission:

Ambry Genetics
Classification: Uncertain significance for Hereditary cancer-predisposing syndrome. Last evaluated: 2026-04-11. Review status: criteria provided, single submitter. Criteria: Ambry Variant Classification Scheme 2023. Collection method: clinical testing. Allele origin: germline.
Comment: The p.V1291L variant (also known as c.3871G>C), located in coding exon 31 of the TSC2 gene, results from a G to C substitution at nucleotide position 3871. The valine at codon 1291 is replaced by leucine, an amino acid with highly similar properties. This amino acid position is conserved. In addition, the in silico prediction for this alteration is inconclusive. Based on the available evidence, the clinical significance of this variant remains unclear.